The following is an entry in ClinVar:

ClinVar aggregate classification (germline): Uncertain significance. Review status: criteria provided, single submitter (1 of 4 stars). 2 submissions from 2 submitters: Uncertain significance (1). 1 of the submissions does not count toward it. Last evaluated 2025-08-08.

Conditions:
ALPK2-related disorder. Also called: ALPK2-related condition.

Allele frequency attached by ClinVar (database versions not stated): 1000 Genomes Project 30x 0.00156; gnomAD exomes 0.00010; ExAC 0.00030; gnomAD 0.00096; TOPMed 0.00108; ESP Exome Variant Server 0.00124; 1000 Genomes Project 0.00140.
gnomAD v4.1: 292 of 1,614,156 alleles (0.018%); highest among the groups gnomAD compares: African/African-American, 0.37%; 1 homozygote.

Submissions (2):

Ambry Genetics
Classification: Uncertain significance. Last evaluated: 2025-08-08. Review status: criteria provided, single submitter. Criteria: Ambry Variant Classification Scheme 2023. Collection method: clinical testing. Allele origin: germline.

PreventionGenetics, part of Exact Sciences
Classification: Likely benign for ALPK2-related condition. Last evaluated: 2019-04-09. Review status: no assertion criteria provided. Collection method: clinical testing. Allele origin: germline. Not counted in ClinVar's aggregate classification.
Comment: This variant is classified as likely benign based on ACMG/AMP sequence variant interpretation guidelines (Richards et al. 2015 PMID: 25741868, with internal and published modifications).

NM_052947.4(ALPK2):c.302C>T (p.Ser101Phe)

Gene: ALPK2 (alpha kinase 2; minus strand). Cytogenetic location: 18q21.31.
Variant type: single nucleotide variant.
Coding change: c.302C>T on transcript NM_052947.4 (MANE Select); coding-DNA position 302, C replaced by T.
Protein change: p.Ser101Phe; replaces serine 101 with phenylalanine.
Molecular consequence: missense variant.
Genome position (GRCh38, 1-based): chr18:58,580,474, G>A on the plus strand (C>T on the coding strand, the complement: ALPK2 is on the minus strand). VCF-style: chr18-58580474-G-A. GRCh37 (hg19) VCF-style: chr18-56247706-G-A.
Other names: short protein forms S101F.
Identifiers: ClinVar variation 1799012 (VCV001799012.6), dbSNP rs77676327, ClinGen allele CA8977475.
Genomic context (GRCh38, chr18:58,580,474, plus strand): 5'-CTGTCATCTTCCAGGTTAGGAGACAATTGTGGGTTCTCTGATGAGCACTCAACCTCAACG[G>A]AAGCAGAACAACAGATCATTCCAAAAGAGTTTTTAGCCGAGATTTGATAGACAGCAGCAT-3'
Protein context (NP_443179.3, residues 91-111): NSFGMICCSA[Ser101Phe]VEVECSSENP